The following is an entry in ClinVar:

NM_001127222.2(CACNA1A):c.3692+156G>A

Gene: CACNA1A (calcium voltage-gated channel subunit alpha1 A; minus strand). Cytogenetic location: 19p13.13.
Variant type: single nucleotide variant.
Coding change: c.3692+156G>A on transcript NM_001127222.2 (MANE Select); 156 bases into the intron after coding-DNA position 3692, G replaced by A.
Molecular consequence: intron variant.
Genome position (GRCh38, 1-based): chr19:13,284,912, C>T on the plus strand (G>A on the coding strand, the complement: CACNA1A is on the minus strand). VCF-style: chr19-13284912-C-T. GRCh37 (hg19) VCF-style: chr19-13395726-C-T.
Other names: c.3695+156G>A (NM_001127221.2, NM_001174080.2); c.3704+156G>A (NM_000068.4, NM_023035.3).
Identifiers: ClinVar variation 680059 (VCV000680059.1), dbSNP rs10422305, ClinGen allele CA14636014.

ClinVar aggregate classification (germline): Benign (1 of 4 stars; one submission).

Allele frequency attached by ClinVar (database versions not stated): gnomAD 0.32411 and 0.33270; TOPMed 0.34761; 1000 Genomes Project 30x 0.42083; 1000 Genomes Project 0.42292.
gnomAD v4.1: 50,635 of 152,076 alleles (33%); highest among the groups gnomAD compares: East Asian, 71%; 9,153 homozygotes.

Submission:

GeneDx
Classification: Benign. Last evaluated: 2018-06-14. Review status: criteria provided, single submitter. Criteria: GeneDx Variant Classification (06012015). Collection method: clinical testing. Allele origin: germline. Affected: yes.
Comment: This variant is considered likely benign or benign based on one or more of the following criteria: it is a conservative change, it occurs at a poorly conserved position in the protein, it is predicted to be benign by multiple in silico algorithms, and/or has population frequency not consistent with disease.